The following is an entry in ClinVar:

NM_000384.3(APOB):c.11681A>T (p.Tyr3894Phe)

Gene: APOB (apolipoprotein B; minus strand). Cytogenetic location: 2p24.1.
Variant type: single nucleotide variant.
Coding change: c.11681A>T on transcript NM_000384.3 (MANE Select); coding-DNA position 11681, A replaced by T.
Protein change: p.Tyr3894Phe; replaces tyrosine 3894 with phenylalanine.
Molecular consequence: missense variant.
Genome position (GRCh38, 1-based): chr2:21,005,187, T>A on the plus strand (A>T on the coding strand, the complement: APOB is on the minus strand). VCF-style: chr2-21005187-T-A. GRCh37 (hg19) VCF-style: chr2-21228059-T-A.
Other names: short protein forms Y3894F.
Identifiers: ClinVar variation 1303618 (VCV001303618.5), dbSNP rs775669767, ClinGen allele CA047130.

ClinVar aggregate classification (germline): Uncertain significance. Review status: criteria provided, multiple submitters, no conflicts (2 of 4 stars). 2 submissions from 2 submitters: Uncertain significance (2). Last evaluated 2026-07-22.

Conditions:
Cardiovascular phenotype. Identifiers: MedGen CN230736.

Allele frequency attached by ClinVar (database versions not stated): ExAC 0.00001; gnomAD exomes 0.00001.
gnomAD v4.1: 3 of 1,613,976 alleles (0.00019%); highest among the groups gnomAD compares: Non-Finnish European, 0.00025%; no homozygotes.

Submissions (2):

GeneDx
Classification: Uncertain significance. Last evaluated: 2026-07-22. Review status: criteria provided, single submitter. Criteria: GeneDx Variant Classification Process June 2021. Collection method: clinical testing. Allele origin: germline.
Comment: Not observed at significant frequency in large population cohorts (gnomAD); In silico analysis supports that this missense variant has a deleterious effect on protein structure/function; Has not been previously published as pathogenic or benign to our knowledge

Ambry Genetics
Classification: Uncertain significance for Cardiovascular phenotype. Last evaluated: 2023-04-07. Review status: criteria provided, single submitter. Criteria: Ambry Variant Classification Scheme 2023. Collection method: clinical testing. Allele origin: germline.
Comment: The p.Y3894F variant (also known as c.11681A>T), located in coding exon 26 of the APOB gene, results from an A to T substitution at nucleotide position 11681. The tyrosine at codon 3894 is replaced by phenylalanine, an amino acid with highly similar properties. This amino acid position is conserved. In addition, this alteration is predicted to be tolerated by in silico analysis. Since supporting evidence is limited at this time, the clinical significance of this alteration remains unclear.